The following is an entry in ClinVar:

NM_002439.5(MSH3):c.910-2_918del

Genes: MSH3 (mutS homolog 3; plus strand), LOC126807437 (MED14-independent group 3 enhancer GRCh37_chr5:79968379-79969578; plus strand). Cytogenetic location: 5q14.1.
Variant type: Deletion.
Coding change: c.910-2_918del on transcript NM_002439.5 (MANE Select); the canonical splice acceptor site of the intron before coding-DNA position 910 through coding-DNA position 918, 11 bases deleted (AGGTGGGAGTT).
Molecular consequence: splice acceptor variant.
Genome position (GRCh38, 1-based): chr5:80,672,739-80,672,749, AGGTGGGAGTT deleted. VCF-style (leftmost placement, unchanged base first): chr5-80672738-AAGGTGGGAGTT-A. GRCh37 (hg19) VCF-style: chr5-79968557-AAGGTGGGAGTT-A.
Identifiers: ClinVar variation 3650519 (VCV003650519.2).

ClinVar aggregate classification (germline): Likely pathogenic (1 of 4 stars; one submission).

Submission:

Labcorp Genetics (formerly Invitae), Labcorp
Classification: Likely pathogenic. Last evaluated: 2025-08-24. Review status: criteria provided, single submitter. Criteria: Invitae Variant Classification Sherloc (09022015). Collection method: clinical testing. Allele origin: germline.
Comment: This variant results in the deletion of part of exon 6 (c.910-2_918del) of the MSH3 gene. It is expected to disrupt RNA splicing. Variants that disrupt the donor or acceptor splice site typically lead to a loss of protein function (PMID: 16199547), and loss-of-function variants in MSH3 are known to be pathogenic (PMID: 27476653, 37402566). This variant is not present in population databases (gnomAD no frequency). This variant has not been reported in the literature in individuals affected with MSH3-related conditions. ClinVar contains an entry for this variant (Variation ID: 3650519). In summary, the currently available evidence indicates that the variant is pathogenic, but additional data are needed to prove that conclusively. Therefore, this variant has been classified as Likely Pathogenic.

Literature cited by the submitters: PubMed 16199547; PubMed 27476653; PubMed 37402566.